The following is an entry in ClinVar:

ClinVar aggregate classification (germline): Uncertain significance (1 of 4 stars; one submission).

Allele frequency attached by ClinVar (database versions not stated): TOPMed 0.00001; ExAC 0.00002.

Submission:

Labcorp Genetics (formerly Invitae), Labcorp
Classification: Uncertain significance. Last evaluated: 2022-10-11. Review status: criteria provided, single submitter. Criteria: Invitae Variant Classification Sherloc (09022015). Collection method: clinical testing. Allele origin: germline.
Comment: This sequence change replaces glutamic acid, which is acidic and polar, with lysine, which is basic and polar, at codon 509 of the MME protein (p.Glu509Lys). This variant is present in population databases (rs200715594, gnomAD 0.003%). This variant has not been reported in the literature in individuals affected with MME-related conditions. Advanced modeling of protein sequence and biophysical properties (such as structural, functional, and spatial information, amino acid conservation, physicochemical variation, residue mobility, and thermodynamic stability) performed at Invitae indicates that this missense variant is not expected to disrupt MME protein function. In summary, the available evidence is currently insufficient to determine the role of this variant in disease. Therefore, it has been classified as a Variant of Uncertain Significance.

NM_007289.4(MME):c.1525G>A (p.Glu509Lys)

Gene: MME (membrane metalloendopeptidase; plus strand). Cytogenetic location: 3q25.2.
Variant type: single nucleotide variant.
Coding change: c.1525G>A on transcript NM_007289.4 (MANE Select); coding-DNA position 1525, G replaced by A.
Protein change: p.Glu509Lys; replaces glutamic acid 509 with lysine.
Molecular consequence: missense variant.
Genome position (GRCh38, 1-based): chr3:155,148,577, G>A. VCF-style: chr3-155148577-G-A. GRCh37 (hg19) VCF-style: chr3-154866366-G-A.
Other names: c.1525G>A, p.Glu509Lys (NM_000902.5, NM_001354642.2, NM_001354643.1 and 2 more transcripts); short protein forms E509K.
Identifiers: ClinVar variation 1915973 (VCV001915973.2), dbSNP rs200715594, ClinGen allele CA2675551.